The following is an entry in ClinVar:

ClinVar aggregate classification (germline): Uncertain significance (1 of 4 stars; one submission).

Conditions:
CEP290-related disorder. Also called: CEP290-related condition; CEP290-related disorders. Identifiers: MedGen CN239314.

Submission:

PreventionGenetics, part of Exact Sciences
Classification: Uncertain significance for CEP290-related condition. Last evaluated: 2026-06-01. Review status: criteria provided, single submitter. Criteria: ACMG Guidelines, 2015. Collection method: clinical testing. Allele origin: germline.
Comment: The CEP290 c.3146A>G variant is predicted to result in the amino acid substitution p.Asn1049Ser. To our knowledge, this variant has not been reported in the literature or in a large population database (gnomAD), indicating this variant is rare. At this time, the clinical significance of this variant is uncertain due to the absence of conclusive functional and genetic evidence.

NM_025114.4(CEP290):c.3146A>G (p.Asn1049Ser)

Gene: CEP290 (centrosomal protein 290; minus strand). Cytogenetic location: 12q21.32.
Variant type: single nucleotide variant.
Coding change: c.3146A>G on transcript NM_025114.4 (MANE Select); coding-DNA position 3146, A replaced by G.
Protein change: p.Asn1049Ser; replaces asparagine 1049 with serine.
Molecular consequence: missense variant.
Genome position (GRCh38, 1-based): chr12:88,093,933, T>C on the plus strand (A>G on the coding strand, the complement: CEP290 is on the minus strand). VCF-style: chr12-88093933-T-C. GRCh37 (hg19) VCF-style: chr12-88487710-T-C.
Other names: short protein forms N1049S.
Identifiers: ClinVar variation 4991590 (VCV004991590.1).